The following is an entry in ClinVar:

NM_004727.3(SLC24A1):c.3160T>G (p.Phe1054Val)

Gene: SLC24A1 (solute carrier family 24 member 1; plus strand). Cytogenetic location: 15q22.31.
Variant type: single nucleotide variant.
Coding change: c.3160T>G on transcript NM_004727.3 (MANE Select); coding-DNA position 3160, T replaced by G.
Protein change: p.Phe1054Val; replaces phenylalanine 1054 with valine.
Molecular consequence: missense variant. On other transcripts: intron variant (1).
Genome position (GRCh38, 1-based): chr15:65,653,939, T>G. VCF-style: chr15-65653939-T-G. GRCh37 (hg19) VCF-style: chr15-65946277-T-G.
Other names: c.1141T>G, p.Phe381Val (NM_001254740.2); c.3070T>G, p.Phe1024Val (NM_001301031.1); c.3106T>G, p.Phe1036Val (NM_001301032.1); c.2996+1131T>G (NM_001301033.2); short protein forms F1024V, F1036V, F1054V, F381V.
Identifiers: ClinVar variation 1014968 (VCV001014968.6), dbSNP rs373483917, ClinGen allele CA7620330.

ClinVar aggregate classification (germline): Uncertain significance. Review status: criteria provided, multiple submitters, no conflicts (2 of 4 stars). 3 submissions from 3 submitters: Uncertain significance (3). Last evaluated 2023-11-22.

Allele frequency attached by ClinVar (database versions not stated): ExAC 0.00002; gnomAD exomes 0.00003; gnomAD 0.00005; TOPMed 0.00006; ESP Exome Variant Server 0.00008.

Submissions (3):

Blueprint Genetics
Classification: Uncertain significance. Last evaluated: 2023-11-22. Review status: criteria provided, single submitter. Criteria: ACMG Guidelines, 2015. Collection method: clinical testing. Allele origin: germline.

Labcorp Genetics (formerly Invitae), Labcorp
Classification: Uncertain significance. Last evaluated: 2023-08-17. Review status: criteria provided, single submitter. Criteria: Invitae Variant Classification Sherloc (09022015). Collection method: clinical testing. Allele origin: germline.
Comment: This sequence change replaces phenylalanine, which is neutral and non-polar, with valine, which is neutral and non-polar, at codon 1054 of the SLC24A1 protein (p.Phe1054Val). This variant is present in population databases (rs373483917, gnomAD 0.005%). This missense change has been observed in individual(s) with clinical features of retinitis pigmentosa (PMID: 12037007). ClinVar contains an entry for this variant (Variation ID: 1014968). An algorithm developed to predict the effect of missense changes on protein structure and function (PolyPhen-2) suggests that this variant¬†is likely to be tolerated. In summary, the available evidence is currently insufficient to determine the role of this variant in disease. Therefore, it has been classified as a Variant of Uncertain Significance.

Breakthrough Genomics
Classification: Uncertain significance. Review status: criteria provided, single submitter. Criteria: ACMG Guidelines, 2015. Collection method: not provided. Allele origin: germline. Inheritance: Autosomal recessive inheritance. Affected: yes.

Literature cited by the submitters: PubMed 12037007 (cited by Labcorp Genetics (formerly Invitae), Labcorp).